The following is an entry in ClinVar:

ClinVar aggregate classification (germline): Uncertain significance. Review status: criteria provided, multiple submitters, no conflicts (2 of 4 stars). 2 submissions from 2 submitters: Uncertain significance (2). Last evaluated 2026-01-05.

Conditions:
Inborn genetic diseases. Identifiers: MedGen C0950123, MeSH D030342.

Allele frequency attached by ClinVar (database versions not stated): gnomAD 0.00001; 1000 Genomes Project 0.00040; 1000 Genomes Project 30x 0.00031.
gnomAD v4.1: 1 of 1,609,980 alleles (0.000062%); highest among the groups gnomAD compares: African/African-American, 0.0013%; no homozygotes.

Submissions (2):

Labcorp Genetics (formerly Invitae), Labcorp
Classification: Uncertain significance. Last evaluated: 2026-01-05. Review status: criteria provided, single submitter. Criteria: Invitae Variant Classification Sherloc (09022015). Collection method: clinical testing. Allele origin: germline.
Comment: This sequence change replaces aspartic acid, which is acidic and polar, with asparagine, which is neutral and polar, at codon 794 of the ATR protein (p.Asp794Asn). This variant is present in population databases (rs543336253, gnomAD 0.01%). This variant has not been reported in the literature in individuals affected with ATR-related conditions. ClinVar contains an entry for this variant (Variation ID: 3221081). An algorithm developed to predict the effect of missense changes on protein structure and function outputs the following: PolyPhen-2: "Benign". The asparagine amino acid residue is found in multiple mammalian species, which suggests that this missense change does not adversely affect protein function. In summary, the available evidence is currently insufficient to determine the role of this variant in disease. Therefore, it has been classified as a Variant of Uncertain Significance.

Ambry Genetics
Classification: Uncertain significance for Inborn genetic diseases. Last evaluated: 2023-09-15. Review status: criteria provided, single submitter. Criteria: Ambry Variant Classification Scheme 2023. Collection method: clinical testing. Allele origin: germline.
Comment: The p.D794N variant (also known as c.2380G>A), located in coding exon 11 of the ATR gene, results from a G to A substitution at nucleotide position 2380. The aspartic acid at codon 794 is replaced by asparagine, an amino acid with highly similar properties. This amino acid position is conserved. In addition, this alteration is predicted to be tolerated by in silico analysis. Since supporting evidence is limited at this time, the clinical significance of this alteration remains unclear.

NM_001184.4(ATR):c.2380G>A (p.Asp794Asn)

Gene: ATR (ATR checkpoint kinase; minus strand). Cytogenetic location: 3q23.
Variant type: single nucleotide variant.
Coding change: c.2380G>A on transcript NM_001184.4 (MANE Select); coding-DNA position 2380, G replaced by A.
Protein change: p.Asp794Asn; replaces aspartic acid 794 with asparagine.
Molecular consequence: missense variant.
Genome position (GRCh38, 1-based): chr3:142,553,977, C>T on the plus strand (G>A on the coding strand, the complement: ATR is on the minus strand). VCF-style: chr3-142553977-C-T. GRCh37 (hg19) VCF-style: chr3-142272819-C-T.
Other names: c.2188G>A, p.Asp730Asn (NM_001354579.2); short protein forms D730N, D794N.
Identifiers: ClinVar variation 3221081 (VCV003221081.3), dbSNP rs543336253, ClinGen allele CA2650369.
Genomic context (GRCh38, chr3:142,553,977, plus strand): 5'-CCATTAAATTTAATAAAGTTCCAAGAACTGCTTTTACATCTGTTTCATCTTCTCTAAAAT[C>T]AAGATGCTTACAAAGATGATGTAGATTATCTATGAAAGCTGAAGGACAAGAGTATACAAT-3'
Protein context (NP_001175.2, residues 784-804): DNLHHLCKHL[Asp794Asn]FREDETDVKA